The following is an entry in ClinVar:

NM_001353108.3(CEP63):c.569A>G (p.Asn190Ser)

Gene: CEP63 (centrosomal protein 63; plus strand). Cytogenetic location: 3q22.2.
Variant type: single nucleotide variant.
Coding change: c.569A>G on transcript NM_001353108.3 (MANE Select); coding-DNA position 569, A replaced by G.
Protein change: p.Asn190Ser; replaces asparagine 190 with serine.
Molecular consequence: missense variant. On other transcripts: non-coding transcript variant (4).
Genome position (GRCh38, 1-based): chr3:134,545,599, A>G. VCF-style: chr3-134545599-A-G. GRCh37 (hg19) VCF-style: chr3-134264441-A-G.
Other names: c.569A>G, p.Asn190Ser (NM_001042383.2, NM_001042384.2, NM_001042400.3 and 13 more transcripts); c.596A>G, p.Asn199Ser (NM_001353118.1); c.485A>G, p.Asn162Ser (NM_001353125.2); c.206A>G, p.Asn69Ser (NM_001353126.2); short protein forms N190S, N199S, N69S, N162S.
Identifiers: ClinVar variation 1448706 (VCV001448706.3), dbSNP rs151116336, ClinGen allele CA2628430.

ClinVar aggregate classification (germline): Uncertain significance (1 of 4 stars; one submission).

Allele frequency attached by ClinVar (database versions not stated): ExAC 0.00002; gnomAD exomes 0.00002 and 0.00010; gnomAD 0.00011; TOPMed 0.00015; ESP Exome Variant Server 0.00038.
gnomAD v4.1: 155 of 1,613,752 alleles (0.0096%); highest among the groups gnomAD compares: Admixed American, 0.017%; no homozygotes.

Submission:

Labcorp Genetics (formerly Invitae), Labcorp
Classification: Uncertain significance. Last evaluated: 2022-01-13. Review status: criteria provided, single submitter. Criteria: Invitae Variant Classification Sherloc (09022015). Collection method: clinical testing. Allele origin: germline.
Comment: This sequence change replaces asparagine, which is neutral and polar, with serine, which is neutral and polar, at codon 190 of the CEP63 protein (p.Asn190Ser). This variant is present in population databases (rs151116336, gnomAD 0.006%). This variant has not been reported in the literature in individuals affected with CEP63-related conditions. Algorithms developed to predict the effect of missense changes on protein structure and function (SIFT, PolyPhen-2, Align-GVGD) all suggest that this variant is likely to be tolerated. In summary, the available evidence is currently insufficient to determine the role of this variant in disease. Therefore, it has been classified as a Variant of Uncertain Significance.